The following is an entry in ClinVar:

NM_015215.4(CAMTA1):c.725_728dup (p.Val244fs)

Gene: CAMTA1 (calmodulin binding transcription activator 1; plus strand). Cytogenetic location: 1p36.23.
Variant type: Duplication.
Coding change: c.725_728dup on transcript NM_015215.4 (MANE Select); coding-DNA positions 725 to 728, 4 bases duplicated (AGCT; older notation c.725_728dupAGCT).
Protein change: p.Val244fs; shifts the reading frame from valine 244.
Molecular consequence: frameshift variant.
Genome position (GRCh38, 1-based): chr1:7,661,786-7,661,789, AGCT duplicated. VCF-style (leftmost placement, unchanged base first): chr1-7661785-C-CAGCT. GRCh37 (hg19) VCF-style: chr1-7721845-C-CAGCT.
Other names: c.635_638dup, p.Val214fs (NM_001349608.2, NM_001349612.2); c.725_728dup, p.Val244fs (NM_001349609.2, NM_001349610.2, NM_001410737.1); c.653_656dup, p.Val220fs (NM_001410738.1); short protein forms V220fs, V214fs, V244fs.
Identifiers: ClinVar variation 3484605 (VCV003484605.1).

ClinVar aggregate classification (germline): Pathogenic (1 of 4 stars; one submission).

Conditions:
Inborn genetic diseases. Identifiers: MedGen C0950123, MeSH D030342.

Submission:

Ambry Genetics
Classification: Pathogenic for Inborn genetic diseases. Last evaluated: 2024-09-03. Review status: criteria provided, single submitter. Criteria: Ambry Variant Classification Scheme 2023. Collection method: clinical testing. Allele origin: germline.
Comment: The c.725_728dupAGCT (p.V244Afs*37) alteration, located in exon 8 (coding exon 8) of the CAMTA1 gene, consists of a duplication of AGCT at position 725, causing a translational frameshift with a predicted alternate stop codon after 37 amino acids. This alteration is expected to result in loss of function by premature protein truncation or nonsense-mediated mRNA decay. This variant was not reported in population-based cohorts in the Genome Aggregation Database (gnomAD). Based on the available evidence, this alteration is classified as pathogenic.